The following is an entry in ClinVar:

ClinVar aggregate classification (germline): Pathogenic/Likely pathogenic. Review status: criteria provided, multiple submitters, no conflicts (2 of 4 stars). 2 submissions from 2 submitters: Pathogenic (1); Likely pathogenic (1). Last evaluated 2026-05-30.

Conditions:
Neurofibromatosis, type 1 (NF1). Also called: Peripheral type neurofibromatosis; VON RECKLINGHAUSEN DISEASE; NEUROFIBROMATOSIS, TYPE I, SOMATIC; Neurofibromatosis, type I. Identifiers: Orphanet 636, MedGen C0027831, MONDO:0018975, OMIM 162200. Disease mechanism: loss of function.

Submissions (2):

NHS Central & South Genomic Laboratory Hub
Classification: Likely pathogenic for Neurofibromatosis type 1. Last evaluated: 2026-05-30. Review status: criteria provided, single submitter. Criteria: ACMG Guidelines, 2015. Collection method: clinical testing. Allele origin: germline. Affected: yes.

Labcorp Genetics (formerly Invitae), Labcorp
Classification: Pathogenic for Neurofibromatosis, type 1. Last evaluated: 2022-12-16. Review status: criteria provided, single submitter. Criteria: Invitae Variant Classification Sherloc (09022015). Collection method: clinical testing. Allele origin: germline.
Comment: For these reasons, this variant has been classified as Pathogenic. This variant disrupts the p.Leu549 amino acid residue in NF1. Other variant(s) that disrupt this residue have been determined to be pathogenic (PMID: 10712197, 21520333; Invitae). This suggests that this residue is clinically significant, and that variants that disrupt this residue are likely to be disease-causing. Advanced modeling of protein sequence and biophysical properties (such as structural, functional, and spatial information, amino acid conservation, physicochemical variation, residue mobility, and thermodynamic stability) performed at Invitae indicates that this missense variant is expected to disrupt NF1 protein function. This missense change has been observed in individual(s) with neurofibromatosis type 1 (Invitae). This variant is not present in population databases (gnomAD no frequency). This sequence change replaces leucine, which is neutral and non-polar, with arginine, which is basic and polar, at codon 549 of the NF1 protein (p.Leu549Arg).

Literature cited by the submitters: PubMed 10712197 (cited by Labcorp Genetics (formerly Invitae), Labcorp); PubMed 21520333 (cited by Labcorp Genetics (formerly Invitae), Labcorp).

NM_001042492.3(NF1):c.1646T>G (p.Leu549Arg)

Gene: NF1 (neurofibromin 1; plus strand). Cytogenetic location: 17q11.2.
Variant type: single nucleotide variant.
Coding change: c.1646T>G on transcript NM_001042492.3 (MANE Select); coding-DNA position 1646, T replaced by G.
Protein change: p.Leu549Arg; replaces leucine 549 with arginine.
Molecular consequence: missense variant.
Genome position (GRCh38, 1-based): chr17:31,221,854, T>G. VCF-style: chr17-31221854-T-G. GRCh37 (hg19) VCF-style: chr17-29548872-T-G.
Other names: c.1646T>G, p.Leu549Arg (NM_000267.4, NM_001128147.3); short protein forms L549R.
Identifiers: ClinVar variation 2821334 (VCV002821334.4), dbSNP rs199474758, ClinGen allele CA399002219.